The following is an entry in ClinVar:

NM_199420.4(POLQ):c.7499A>C (p.Lys2500Thr)

Gene: POLQ (DNA polymerase theta; minus strand). Cytogenetic location: 3q13.33.
Variant type: single nucleotide variant.
Coding change: c.7499A>C on transcript NM_199420.4 (MANE Select); coding-DNA position 7499, A replaced by C.
Protein change: p.Lys2500Thr; replaces lysine 2500 with threonine.
Molecular consequence: missense variant.
Genome position (GRCh38, 1-based): chr3:121,436,166, T>G on the plus strand (A>C on the coding strand, the complement: POLQ is on the minus strand). VCF-style: chr3-121436166-T-G. GRCh37 (hg19) VCF-style: chr3-121155013-T-G.
Other names: short protein forms K2500T.
Identifiers: ClinVar variation 3230158 (VCV003230158.1), dbSNP rs2546747220, ClinGen allele CA354095731.

ClinVar aggregate classification (germline): Uncertain significance (1 of 4 stars; one submission).

Allele frequency attached by ClinVar (database versions not stated): gnomAD exomes below 0.00001.
gnomAD v4.1: 1 of 1,613,954 alleles (0.000062%); highest among the groups gnomAD compares: Non-Finnish European, 0.000085%; no homozygotes.

Submission:

Ambry Genetics
Classification: Uncertain significance. Last evaluated: 2023-11-16. Review status: criteria provided, single submitter. Criteria: Ambry Variant Classification Scheme 2023. Collection method: clinical testing. Allele origin: germline.
Comment: The p.K2500T variant (also known as c.7499A>C), located in coding exon 28 of the POLQ gene, results from an A to C substitution at nucleotide position 7499. The lysine at codon 2500 is replaced by threonine, an amino acid with similar properties. This amino acid position is conserved. In addition, this alteration is predicted to be tolerated by in silico analysis. Since supporting evidence is limited at this time, the clinical significance of this alteration remains unclear.